The following is an entry in ClinVar:

ClinVar aggregate classification (germline): Uncertain significance (1 of 4 stars; one submission).

gnomAD v4.1: 3 of 1,614,154 alleles (0.00019%); highest among the groups gnomAD compares: Non-Finnish European, 0.00025%; no homozygotes.

Submission:

Labcorp Genetics (formerly Invitae), Labcorp
Classification: Uncertain significance. Last evaluated: 2025-10-14. Review status: criteria provided, single submitter. Criteria: Invitae Variant Classification Sherloc (09022015). Collection method: clinical testing. Allele origin: germline.
Comment: This sequence change replaces cysteine, which is neutral and slightly polar, with tyrosine, which is neutral and polar, at codon 643 of the LHCGR protein (p.Cys643Tyr). This variant is not present in population databases (gnomAD no frequency). This variant has not been reported in the literature in individuals affected with LHCGR-related conditions. Invitae Evidence Modeling of protein sequence and biophysical properties (such as structural, functional, and spatial information, amino acid conservation, physicochemical variation, residue mobility, and thermodynamic stability) indicates that this missense variant is not expected to disrupt LHCGR protein function with a negative predictive value of 80%. In summary, the available evidence is currently insufficient to determine the role of this variant in disease. Therefore, it has been classified as a Variant of Uncertain Significance.

NM_000233.4(LHCGR):c.1928G>A (p.Cys643Tyr)

Genes: STON1-GTF2A1L (STON1-GTF2A1L readthrough; plus strand), LHCGR (luteinizing hormone/choriogonadotropin receptor; minus strand). Cytogenetic location: 2p16.3.
Variant type: single nucleotide variant.
Coding change: c.1928G>A on transcript NM_000233.4 (MANE Select); coding-DNA position 1928, G replaced by A.
Protein change: p.Cys643Tyr; replaces cysteine 643 with tyrosine.
Molecular consequence: missense variant. On other transcripts: intron variant (1).
Genome position (GRCh38, 1-based): chr2:48,687,869, C>T on the plus strand (G>A on the coding strand, the complement: LHCGR is on the minus strand). VCF-style: chr2-48687869-C-T. GRCh37 (hg19) VCF-style: chr2-48915008-C-T.
Other names: c.3441+16189C>T (NM_001198593.2); short protein forms C643Y.
Identifiers: ClinVar variation 4811652 (VCV004811652.1).